The following is an entry in ClinVar:

NM_001793.6(CDH3):c.2230T>C (p.Tyr744His)

Gene: CDH3 (cadherin 3; plus strand). Cytogenetic location: 16q22.1.
Variant type: single nucleotide variant.
Coding change: c.2230T>C on transcript NM_001793.6 (MANE Select); coding-DNA position 2230, T replaced by C.
Protein change: p.Tyr744His; replaces tyrosine 744 with histidine.
Molecular consequence: missense variant.
Genome position (GRCh38, 1-based): chr16:68,695,873, T>C. VCF-style: chr16-68695873-T-C. GRCh37 (hg19) VCF-style: chr16-68729776-T-C.
Other names: c.2230T>C, p.Tyr744His (NM_001317195.3); c.2065T>C, p.Tyr689His (NM_001317196.2); short protein forms Y689H, Y744H.
Identifiers: ClinVar variation 1348095 (VCV001348095.8), dbSNP rs1476414846, ClinGen allele CA396456344.
Genomic context (GRCh38, chr16:68,695,873, plus strand): 5'-GCCAGGCCGGAGGTGGTTCTCCGCAATGACGTGGCACCAACCATCATCCCGACACCCATG[T>C]ACCGTCCTCGGCCAGCCAACCCAGATGAAATCGGCAACTTTATAATTGAGGTGAGGCGTG-3'
Protein context (NP_001784.2, residues 734-754): VAPTIIPTPM[Tyr744His]RPRPANPDEI

ClinVar aggregate classification (germline): Uncertain significance (1 of 4 stars; one submission).

Allele frequency attached by ClinVar (database versions not stated): TOPMed below 0.00001.

Submission:

Labcorp Genetics (formerly Invitae), Labcorp
Classification: Uncertain significance. Last evaluated: 2022-11-22. Review status: criteria provided, single submitter. Criteria: Invitae Variant Classification Sherloc (09022015). Collection method: clinical testing. Allele origin: germline.
Comment: Advanced modeling of protein sequence and biophysical properties (such as structural, functional, and spatial information, amino acid conservation, physicochemical variation, residue mobility, and thermodynamic stability) performed at Invitae indicates that this missense variant is not expected to disrupt CDH3 protein function. In summary, the available evidence is currently insufficient to determine the role of this variant in disease. Therefore, it has been classified as a Variant of Uncertain Significance. ClinVar contains an entry for this variant (Variation ID: 1348095). This variant has not been reported in the literature in individuals affected with CDH3-related conditions. This variant is not present in population databases (gnomAD no frequency). This sequence change replaces tyrosine, which is neutral and polar, with histidine, which is basic and polar, at codon 744 of the CDH3 protein (p.Tyr744His).